The following is an entry in ClinVar:

NM_004086.3(COCH):c.1462G>C (p.Ala488Pro)

Genes: COCH (cochlin; plus strand), COCH-AS1 (COCH antisense RNA 1; minus strand). Cytogenetic location: 14q12.
Variant type: single nucleotide variant.
Coding change: c.1462G>C on transcript NM_004086.3 (MANE Select); coding-DNA position 1462, G replaced by C.
Protein change: p.Ala488Pro; replaces alanine 488 with proline.
Molecular consequence: missense variant. On other transcripts: non-coding transcript variant (1).
Genome position (GRCh38, 1-based): chr14:30,886,297, G>C. VCF-style: chr14-30886297-G-C. GRCh37 (hg19) VCF-style: chr14-31355503-G-C.
Other names: c.1462G>C, p.Ala488Pro (NM_001135058.2); c.1657G>C, p.Ala553Pro (NM_001347720.2); short protein forms A553P, A488P.
Identifiers: ClinVar variation 3658553 (VCV003658553.2).
Genomic context (GRCh38, chr14:30,886,297, plus strand): 5'-AACTTCCTAGTAATTGTCACAGATGGGCAGTCCTATGATGATGTCCAAGGCCCTGCAGCT[G>C]CTGCACATGATGCAGGTAAGGTCCTTGTTCTTTATAGGAGAAGGGAACAGAAAAAACGGT-3'
Protein context (NP_004077.1, residues 478-498): SYDDVQGPAA[Ala488Pro]AHDAGITIFS

ClinVar aggregate classification (germline): Uncertain significance (1 of 4 stars; one submission).

Submission:

Labcorp Genetics (formerly Invitae), Labcorp
Classification: Uncertain significance. Last evaluated: 2024-07-02. Review status: criteria provided, single submitter. Criteria: Invitae Variant Classification Sherloc (09022015). Collection method: clinical testing. Allele origin: germline.
Comment: This sequence change replaces alanine, which is neutral and non-polar, with proline, which is neutral and non-polar, at codon 488 of the COCH protein (p.Ala488Pro). This variant is not present in population databases (gnomAD no frequency). This variant has not been reported in the literature in individuals affected with COCH-related conditions. Advanced modeling of protein sequence and biophysical properties (such as structural, functional, and spatial information, amino acid conservation, physicochemical variation, residue mobility, and thermodynamic stability) has been performed at Invitae for this missense variant, however the output from this modeling did not meet the statistical confidence thresholds required to predict the impact of this variant on COCH protein function. In summary, the available evidence is currently insufficient to determine the role of this variant in disease. Therefore, it has been classified as a Variant of Uncertain Significance.